The following is an entry in ClinVar:

NM_020458.4(TTC7A):c.2395C>T (p.Gln799Ter)

Gene: TTC7A (tetratricopeptide repeat domain 7A; plus strand). Cytogenetic location: 2p21.
Variant type: single nucleotide variant.
Coding change: c.2395C>T on transcript NM_020458.4 (MANE Select); coding-DNA position 2395, C replaced by T.
Protein change: p.Gln799Ter; replaces glutamine 799 with a stop codon.
Molecular consequence: nonsense.
Genome position (GRCh38, 1-based): chr2:47,073,741, C>T. VCF-style: chr2-47073741-C-T. GRCh37 (hg19) VCF-style: chr2-47300880-C-T.
Other names: c.2467C>T (NM_001288951.1); c.2467C>T, p.Gln823Ter (NM_001288951.2); c.2293C>T, p.Gln765Ter (NM_001288953.2); c.1333C>T, p.Gln445Ter (NM_001288955.2); short protein forms Q799*, Q445*, Q823*, Q765*.
Identifiers: ClinVar variation 3586713 (VCV003586713.2).

ClinVar aggregate classification (germline): Pathogenic/Likely pathogenic. Review status: criteria provided, multiple submitters, no conflicts (2 of 4 stars). 2 submissions from 2 submitters: Pathogenic (1); Likely pathogenic (1). Last evaluated 2025-10-24.

Conditions:
Multiple gastrointestinal atresias. Also called: Multiple intestinal atresia; FAMILIAL INTESTINAL POLYATRESIA SYNDROME. Identifiers: Orphanet 2300, MedGen C0220744, MONDO:0009465.
Gastrointestinal defects and immunodeficiency syndrome 1 (GIDID1). Also called: Combined immunodeficiency-enteropathy spectrum. Identifiers: Orphanet 436252, MedGen C5968858, MONDO:0800030, OMIM 243150.

Submissions (2):

Labcorp Genetics (formerly Invitae), Labcorp
Classification: Pathogenic for Multiple gastrointestinal atresias. Last evaluated: 2025-10-24. Review status: criteria provided, single submitter. Criteria: Invitae Variant Classification Sherloc (09022015). Collection method: clinical testing. Allele origin: germline.
Comment: This sequence change creates a premature translational stop signal (p.Gln799*) in the TTC7A gene. While this is not anticipated to result in nonsense mediated decay, it is expected to disrupt the last 60 amino acid(s) of the TTC7A protein. This variant is not present in population databases (gnomAD no frequency). This variant has not been reported in the literature in individuals affected with TTC7A-related conditions. ClinVar contains an entry for this variant (Variation ID: 3586713). This variant disrupts a region of the TTC7A protein in which other variant(s) (p.Leu823Pro) have been determined to be pathogenic (PMID: 23423984, 23830146). This suggests that this is a clinically significant region of the protein, and that variants that disrupt it are likely to be disease-causing. For these reasons, this variant has been classified as Pathogenic.

Fulgent Genetics
Classification: Likely pathogenic for Gastrointestinal defects and immunodeficiency syndrome 1. Last evaluated: 2024-04-03. Review status: criteria provided, single submitter. Criteria: ACMG Guidelines, 2015. Collection method: clinical testing. Allele origin: germline.

Literature cited by the submitters: PubMed 23423984 (cited by Labcorp Genetics (formerly Invitae), Labcorp); PubMed 23830146 (cited by Labcorp Genetics (formerly Invitae), Labcorp).